The following is an entry in ClinVar:

ClinVar aggregate classification (germline): Pathogenic (1 of 4 stars; one submission).

Conditions:
Intellectual developmental disorder with autistic features and language delay, with or without seizures. Identifiers: MedGen C5394447, MONDO:0030051, OMIM 618906.

Submission:

MVZ Medizinische Genetik Mainz
Classification: Pathogenic for Intellectual developmental disorder with autistic features and language delay, with or without seizures. Last evaluated: 2022-12-02. Review status: criteria provided, single submitter. Criteria: UK Practice Guidelines For Variant Classification V4 01 2020. Collection method: clinical testing. Allele origin: germline. Inheritance: Autosomal dominant inheritance. Affected: yes. Observed: 1 variant allele.
Comment: ACMG Criteria: PVS1, PM6, PM2_SUP (ACMG Version 4)

NM_001394998.1(TANC2):c.2583-1G>A

Gene: TANC2 (tetratricopeptide repeat, ankyrin repeat and coiled-coil containing 2; plus strand). Cytogenetic location: 17q23.3.
Variant type: single nucleotide variant.
Coding change: c.2583-1G>A on transcript NM_001394998.1 (MANE Select); the canonical splice acceptor site of the intron before coding-DNA position 2583, G replaced by A.
Molecular consequence: splice acceptor variant.
Genome position (GRCh38, 1-based): chr17:63,379,717, G>A. VCF-style: chr17-63379717-G-A. GRCh37 (hg19) VCF-style: chr17-61457078-G-A.
Other names: c.2361-1G>A (NM_001411076.1, NM_025185.4).
Identifiers: ClinVar variation 3235167 (VCV003235167.1), dbSNP rs2510205603.